The following is an entry in ClinVar:

NM_001853.4(COL9A3):c.892G>A (p.Gly298Arg)

Gene: COL9A3 (collagen type IX alpha 3 chain; plus strand). Cytogenetic location: 20q13.33.
Variant type: single nucleotide variant.
Coding change: c.892G>A on transcript NM_001853.4 (MANE Select); coding-DNA position 892, G replaced by A.
Protein change: p.Gly298Arg; replaces glycine 298 with arginine.
Molecular consequence: missense variant.
Genome position (GRCh38, 1-based): chr20:62,827,968, G>A. VCF-style: chr20-62827968-G-A. GRCh37 (hg19) VCF-style: chr20-61459320-G-A.
Other names: c.892G>A (NM_001853.3); short protein forms G298R.
Identifiers: ClinVar variation 1498670 (VCV001498670.13), dbSNP rs372076369, ClinGen allele CA9949578.
Genomic context (GRCh38, chr20:62,827,968, plus strand): 5'-TTGTGTGTCCTCTAGGGCAGACCTGGTCCCAAGGGAACCCCCGGAGTGGCCGGGCCAAGC[G>A]GAGAGCCGGTGAGTGCACGTGGCTGCTCATGGAATGCTCCTCCCCCGGGTCCTGGGTATG-3'
Protein context (NP_001844.3, residues 288-308): KGTPGVAGPS[Gly298Arg]EPGMPGKDGQ

ClinVar aggregate classification (germline): Uncertain significance. Review status: criteria provided, multiple submitters, no conflicts (2 of 4 stars). 4 submissions from 4 submitters: Uncertain significance (4). Last evaluated 2026-01-22.

Conditions:
Inborn genetic diseases. Identifiers: MedGen C0950123, MeSH D030342.

Allele frequency attached by ClinVar (database versions not stated): gnomAD exomes 0.00001 and 0.00003; TOPMed 0.00003; gnomAD 0.00005 and 0.00006; ESP Exome Variant Server 0.00008; ExAC 0.00003.
gnomAD v4.1: 26 of 1,612,806 alleles (0.0016%); highest among the groups gnomAD compares: African/African-American, 0.012%; no homozygotes.

Submissions (4):

Labcorp Genetics (formerly Invitae), Labcorp
Classification: Uncertain significance. Last evaluated: 2026-01-22. Review status: criteria provided, single submitter. Criteria: Invitae Variant Classification Sherloc (09022015). Collection method: clinical testing. Allele origin: germline.
Comment: This sequence change replaces glycine, which is neutral and non-polar, with arginine, which is basic and polar, at codon 298 of the COL9A3 protein (p.Gly298Arg). This variant is present in population databases (rs372076369, gnomAD 0.01%). This variant has not been reported in the literature in individuals affected with COL9A3-related conditions. ClinVar contains an entry for this variant (Variation ID: 1498670). Invitae Evidence Modeling of protein sequence and biophysical properties (such as structural, functional, and spatial information, amino acid conservation, physicochemical variation, residue mobility, and thermodynamic stability) indicates that this missense variant is expected to disrupt COL9A3 protein function with a positive predictive value of 95%. In summary, the available evidence is currently insufficient to determine the role of this variant in disease. Therefore, it has been classified as a Variant of Uncertain Significance.

Dasa
Classification: Uncertain significance. Last evaluated: 2025-11-11. Review status: criteria provided, single submitter. Criteria: DASA Assertion Criteria. Collection method: clinical testing. Allele origin: germline.
Comment: NM_001853.4(COL9A3):c.892G>A (p.Gly298Arg) is a missense variant that results in the substitution of glycine with arginine. The affected residue or protein region has prior evidence supporting clinical relevance. This variant is rare in population databases. Computational prediction algorithms are consistent with a deleterious effect. The currently available literature and clinical evidence are not sufficient to establish a definitive association between this variant and the reported condition. Therefore, this variant is classified as a variant of uncertain significance.

Women's Health and Genetics/Laboratory Corporation of America, LabCorp
Classification: Uncertain significance. Last evaluated: 2025-10-06. Review status: criteria provided, single submitter. Criteria: LabCorp Variant Classification Summary - May 2015. Collection method: clinical testing. Allele origin: germline.
Comment: Variant summary: COL9A3 c.892G>A (p.Gly298Arg) results in a non-conservative amino acid change in the encoded protein sequence. Algorithms developed to predict the effect of missense changes on protein structure and function all suggest that this variant is likely to be disruptive. The variant allele was found at a frequency of 2.8e-05 in 250098 control chromosomes. The available data on variant occurrences in the general population are insufficient to allow any conclusion about variant significance. To our knowledge, no occurrence of c.892G>A in individuals affected with COL9A3-related conditions and no experimental evidence demonstrating its impact on protein function have been reported. ClinVar contains an entry for this variant (Variation ID: 1498670). Based on the evidence outlined above, the variant was classified as uncertain significance.

Ambry Genetics
Classification: Uncertain significance for Inborn genetic diseases. Last evaluated: 2025-06-06. Review status: criteria provided, single submitter. Criteria: Ambry Variant Classification Scheme 2023. Collection method: clinical testing. Allele origin: germline.